The following is an entry in ClinVar:

ClinVar aggregate classification (germline): Uncertain significance (1 of 4 stars; one submission).

Submission:

Labcorp Genetics (formerly Invitae), Labcorp
Classification: Uncertain significance. Last evaluated: 2022-06-09. Review status: criteria provided, single submitter. Criteria: Invitae Variant Classification Sherloc (09022015). Collection method: clinical testing. Allele origin: germline.
Comment: This variant has not been reported in the literature in individuals affected with CLCN7-related conditions. In summary, the available evidence is currently insufficient to determine the role of this variant in disease. Therefore, it has been classified as a Variant of Uncertain Significance. Advanced modeling of protein sequence and biophysical properties (such as structural, functional, and spatial information, amino acid conservation, physicochemical variation, residue mobility, and thermodynamic stability) performed at Invitae indicates that this missense variant is not expected to disrupt CLCN7 protein function. This variant is not present in population databases (gnomAD no frequency). This sequence change replaces methionine, which is neutral and non-polar, with arginine, which is basic and polar, at codon 368 of the CLCN7 protein (p.Met368Arg).

NM_001287.6(CLCN7):c.1103T>G (p.Met368Arg)

Gene: CLCN7 (chloride voltage-gated channel 7; minus strand). Cytogenetic location: 16p13.3.
Variant type: single nucleotide variant.
Coding change: c.1103T>G on transcript NM_001287.6 (MANE Select); coding-DNA position 1103, T replaced by G.
Protein change: p.Met368Arg; replaces methionine 368 with arginine.
Molecular consequence: missense variant.
Genome position (GRCh38, 1-based): chr16:1,454,461, A>C on the plus strand (T>G on the coding strand, the complement: CLCN7 is on the minus strand). VCF-style: chr16-1454461-A-C. GRCh37 (hg19) VCF-style: chr16-1504462-A-C.
Other names: c.1031T>G, p.Met344Arg (NM_001114331.3); short protein forms M344R, M368R.
Identifiers: ClinVar variation 1496722 (VCV001496722.6), dbSNP rs2142377308, ClinGen allele CA394189637.